The following is an entry in ClinVar:

NM_007294.4(BRCA1):c.1082_1092del (p.Cys360_Ser361insTer)

Gene: BRCA1 (BRCA1 DNA repair associated; minus strand). Cytogenetic location: 17q21.31.
Variant type: Deletion.
Coding change: c.1082_1092del on transcript NM_007294.4 (MANE Select); coding-DNA positions 1082 to 1092, 11 bases deleted (CAGAGAATCCT).
Protein change: p.Cys360_Ser361insTer.
Molecular consequence: nonsense. On other transcripts: frameshift variant (1), intron variant (137).
Genome position (GRCh38, 1-based): chr17:43,094,439-43,094,449, AGGATTCTCTG deleted on the plus strand (CAGAGAATCCT on the coding strand, the reverse complement: BRCA1 is on the minus strand); deleting any 11 consecutive bases within chr17:43,094,439-43,094,451 gives the same sequence; the c. name uses the placement nearest the transcript's 3' end. VCF-style (leftmost placement, unchanged base first): chr17-43094438-TAGGATTCTCTG-T. GRCh37 (hg19) VCF-style: chr17-41246455-TAGGATTCTCTG-T.
Other names: 1201del11; c.1082_1092delCAGAGAATCCT (NM_007294.3); c.667+1397_667+1407del (NM_001408424.1, NM_001408421.1, NM_001408431.1); c.784+295_784+305del (NM_001408407.1, NM_001408402.1, NM_001408473.1 and 13 more transcripts); c.664+295_664+305del (NM_001408443.1, NM_001408439.1, NM_001408425.1 and 12 more transcripts); c.670+1397_670+1407del (NM_001408419.1, NM_001408422.1, NM_001408418.1 and 2 more transcripts); c.787+295_787+305del (NM_001408403.1, NM_001407983.1, NM_001407975.1 and 19 more transcripts); c.790+292_790+302del (NM_001408406.1); and 42 more.
Identifiers: ClinVar variation 54122 (VCV000054122.56), dbSNP rs80359880, ClinGen allele CA000724.

ClinVar aggregate classification (germline): Pathogenic. Review status: reviewed by expert panel (3 of 4 stars). 21 submissions from 21 submitters: Pathogenic (1). 20 of the submissions do not count toward it. Last evaluated 2016-09-08.

Conditions:
Hereditary cancer-predisposing syndrome. Also called: Tumor predisposition; Neoplastic Syndromes, Hereditary; Hereditary Cancer Syndrome; Hereditary neoplastic syndrome. Identifiers: Orphanet 140162, MedGen C0027672, MeSH D009386, MONDO:0015356.
Hereditary breast ovarian cancer syndrome. Also called: Hereditary breast and ovarian cancer syndrome (HBOC); Hereditary breast and ovarian cancer syndrome; Hereditary breast and ovarian cancer; Hereditary breast and/or ovarian cancer syndrome; Breast and ovarian cancer; BRCA1- and BRCA2-Associated Hereditary Breast and Ovarian Cancer. Identifiers: Orphanet 145, MedGen C0677776, MeSH D061325, MONDO:0003582. Disease mechanism: loss of function.
Breast-ovarian cancer, familial, susceptibility to, 1 (BROVCA1). Also called: OVARIAN CANCER, SUSCEPTIBILITY TO; BRCA1 Hereditary Breast and Ovarian Cancer. Identifiers: Orphanet 145, MedGen C2676676, MONDO:0011450, OMIM 604370. Disease mechanism: loss of function.

Submissions 1 to 11 of 21:

Evidence-based Network for the Interpretation of Germline Mutant Alleles (ENIGMA)
Classification: Pathogenic for Breast-ovarian cancer, familial, susceptibility to, 1. Last evaluated: 2016-09-08. Review status: reviewed by expert panel. Criteria: ENIGMA BRCA1/2 Classification Criteria (2015). Collection method: curation. Allele origin: germline.
Comment: Variant allele predicted to encode a truncated non-functional protein.

Labcorp Genetics (formerly Invitae), Labcorp
Classification: Pathogenic for Hereditary breast ovarian cancer syndrome. Last evaluated: 2025-05-13. Review status: criteria provided, single submitter. Criteria: Invitae Variant Classification Sherloc (09022015). Collection method: clinical testing. Allele origin: germline. Not counted in ClinVar's aggregate classification.
Comment: This sequence change creates a premature translational stop signal (p.Ser361*) in the BRCA1 gene. It is expected to result in an absent or disrupted protein product. Loss-of-function variants in BRCA1 are known to be pathogenic (PMID: 20104584). This variant is present in population databases (rs80359880, gnomAD 0.003%). This premature translational stop signal has been observed in individual(s) with breast and ovarian cancer (PMID: 7837387, 8644702, 11504767, 20104584, 23704984). This variant is also known as 1201del11. ClinVar contains an entry for this variant (Variation ID: 54122). For these reasons, this variant has been classified as Pathogenic.

Center for Genomic Medicine, Rigshospitalet, Copenhagen University Hospital
Classification: Pathogenic. Last evaluated: 2025-03-04. Review status: criteria provided, single submitter. Criteria: ACMG Guidelines, 2015. Collection method: clinical testing. Allele origin: germline. Not counted in ClinVar's aggregate classification.

Department of Clinical Genetics, Copenhagen University Hospital, Rigshospitalet
Classification: Pathogenic for Breast-ovarian cancer, familial, susceptibility to, 1. Last evaluated: 2025-01-10. Review status: criteria provided, single submitter. Criteria: ACMG Guidelines, 2015. Collection method: clinical testing. Allele origin: germline. Not counted in ClinVar's aggregate classification.
Comment: The following ACMG criteria was used: PVS1; PM2_SUP; PM5_PTC_Strong

Ambry Genetics
Classification: Pathogenic for Hereditary cancer-predisposing syndrome. Last evaluated: 2024-07-25. Review status: criteria provided, single submitter. Criteria: Ambry Variant Classification Scheme 2023. Collection method: clinical testing. Allele origin: germline. Not counted in ClinVar's aggregate classification.
Comment: The c.1082_1092del11 pathogenic mutation, located in coding exon 9 of the BRCA1 gene, results from a deletion of 11 nucleotides at nucleotide positions 1082 to 1092, causing a translational frameshift with a predicted alternate stop codon (p.S361*). This alteration has been detected in several individuals with personal and/or family histories of breast/ovarian cancers, and has been reported as a Swedish founder mutation (Shattuck-Eidens D et al. JAMA. 1995 Feb 15;273(7):535-41; H&aring;kansson S et al. Am J Hum Genet, 1997 May;60:1068-78; Loman N et al. J Natl Cancer Inst. 2001 Aug 15;93(16):1215-23; Borg A et al. Hum. Mutat. 2010 Mar;31(3):E1200-40; Janaviius R. EPMA J. 2010 Sep;1(3):397-412; Rebbeck TR et al. Hum Mutat, 2018 05;39:593-620; Dorling et al. N Engl J Med. 2021 02;384:428-439). Of note, this alteration is also described in the literature as 1201del11. In addition to the clinical data presented in the literature, this alteration is expected to result in loss of function by premature protein truncation or nonsense-mediated mRNA decay. As such, this alteration is interpreted as a disease-causing mutation.

Baylor Genetics
Classification: Pathogenic for Breast-ovarian cancer, familial, susceptibility to, 1. Last evaluated: 2023-12-11. Review status: criteria provided, single submitter. Criteria: ACMG Guidelines, 2015. Collection method: clinical testing. Allele origin: unknown. Not counted in ClinVar's aggregate classification.

Clinical Genetics Laboratory, Skane University Hospital Lund
Classification: Pathogenic. Last evaluated: 2023-12-11. Review status: criteria provided, single submitter. Criteria: ACMG Guidelines, 2015. Collection method: clinical testing. Allele origin: germline. Affected: yes. Not counted in ClinVar's aggregate classification.

GeneDx
Classification: Pathogenic. Last evaluated: 2023-10-27. Review status: criteria provided, single submitter. Criteria: GeneDx Variant Classification Process June 2021. Collection method: clinical testing. Allele origin: germline. Affected: yes. Not counted in ClinVar's aggregate classification.
Comment: Nonsense variant predicted to result in protein truncation or nonsense mediated decay in a gene for which loss of function is a known mechanism of disease; Truncating variants in this gene are considered pathogenic by a well-established clinical consortium and/or database; Not observed at significant frequency in large population cohorts (gnomAD); Also known as 1201del11; This variant is associated with the following publications: (PMID: 8644702, 11504767, 30322717, 30175445, 7837387, 20104584, 14746861, 16528604, 30720243, 28888541, 34981296)

Women's Health and Genetics/Laboratory Corporation of America, LabCorp
Classification: Pathogenic for Hereditary breast ovarian cancer syndrome. Last evaluated: 2023-07-13. Review status: criteria provided, single submitter. Criteria: LabCorp Variant Classification Summary - May 2015. Collection method: clinical testing. Allele origin: germline. Not counted in ClinVar's aggregate classification.
Comment: Variant summary: BRCA1 c.1082_1092del11 (p.Ser361X) results in a premature termination codon, predicted to cause absence of the protein due to nonsense mediated decay, which is a commonly known mechanism for disease. The variant allele was found at a frequency of 1.2e-05 in 251146 control chromosomes (gnomAD). c.1082_1092del11 has been reported in the literature in individuals affected with Hereditary Breast And Ovarian Cancer Syndrome (e.g. Carter_2018). The following publication has been ascertained in the context of this evaluation (PMID: 30322717). 12 submitters, including an expert panel (ENIGMA), have cited clinical-significance assessments for this variant to ClinVar after 2014. All submitters classified the variant as pathogenic. Based on the evidence outlined above, the variant was classified as pathogenic.

Color Diagnostics, LLC DBA Color Health
Classification: Pathogenic for Hereditary cancer-predisposing syndrome. Last evaluated: 2020-12-28. Review status: criteria provided, single submitter. Criteria: ACMG Guidelines, 2015. Collection method: clinical testing. Allele origin: germline. Not counted in ClinVar's aggregate classification.
Comment: This variant deletes 11 nucleotides in exon 10 of the BRCA1 gene, creating a frameshift and premature translation stop signal. This variant is expected to result in an absent or non-functional protein product. To our knowledge, functional studies have not been reported for this variant. This variant has been observed in at least six individuals and families affected with breast cancer and ovarian cancer (PMID: 7837387, 9150154, 20104584, 30175445). This variant has been identified in 3/251146 chromosomes in the general population by the Genome Aggregation Database (gnomAD). Loss of BRCA1 function is a known mechanism of disease. Based on the available evidence, this variant is classified as Pathogenic.

Laboratory for Molecular Medicine, Mass General Brigham Personalized Medicine
Classification: Pathogenic for Hereditary breast ovarian cancer syndrome. Last evaluated: 2020-06-19. Review status: criteria provided, single submitter. Criteria: ACMG Guidelines, 2015. Collection method: clinical testing. Allele origin: germline. Not counted in ClinVar's aggregate classification.
Comment: The p.Ser361X variant in BRCA1 has been reported in 28 individuals with BRCA1-related cancers (Shattuck-Eidens 1995 PMID: 7837387, Rebbeck 2018 PMID: 29446198, Carter 2018 PMID: 30322717). It has also been identified in 0.003% (3/113498) of European chromosomes by gnomAD. This nonsense variant leads to a premature termination codon at position 361, which is predicted to lead to a truncated or absent protein. Loss of function of the BRCA1 gene is an established disease mechanism in autosomal dominant hereditary breast and ovarian cancer (HBOC). This variant was classified as pathogenic by the ClinGen-approved ENIGMA expert panel (Variation ID 54122). Another variant, c.1082C>G, resulting in the same amino acid change has been identified in individuals with BRCA1-related cancers and is approved as pathogenic in the ClinGen-approved ENIGMA expert panel. In summary, this variant meets criteria to be classified as pathogenic for autosomal dominant HBOC. ACMG/AMP Criteria applied: PVS1, PS1, PM2, PS4.